The following is an entry in ClinVar:

NM_024312.5(GNPTAB):c.2204del (p.Leu735fs)

Gene: GNPTAB (N-acetylglucosamine-1-phosphate transferase subunits alpha and beta; minus strand). Cytogenetic location: 12q23.2.
Variant type: Deletion.
Coding change: c.2204del on transcript NM_024312.5 (MANE Select); coding-DNA position 2204, one base deleted (T; older notation c.2204delT).
Protein change: p.Leu735fs; shifts the reading frame from leucine 735.
Molecular consequence: frameshift variant.
Genome position (GRCh38, 1-based): chr12:101,764,713, A deleted on the plus strand (T on the coding strand, the reverse complement: GNPTAB is on the minus strand); the first of 2 consecutive A bases (chr12:101,764,713-101,764,714); deleting either gives the same sequence. VCF-style (leftmost placement, unchanged base first): chr12-101764712-CA-C. GRCh37 (hg19) VCF-style: chr12-102158490-CA-C.
Other names: short protein forms L735fs.
Identifiers: ClinVar variation 2941512 (VCV002941512.3), dbSNP rs2547957230, ClinGen allele CA2740092573.

ClinVar aggregate classification (germline): Pathogenic (1 of 4 stars; one submission).

Conditions:
Mucolipidosis type II. Also called: ML II ALPHA/BETA; Mucolipidosis 2; ML 2; Inclusion cell disease; Leroy Disease; N-acetylglucosamine 1phosphotransferase deficiency. Identifiers: Orphanet 576, MedGen C2673377, MONDO:0009650, OMIM 252500.
Pseudo-Hurler polydystrophy. Also called: ML III; ML III ALPHA/BETA; Type III Mucolipidosis; ML IIIA; Mucolipidosis III Alpha/Beta; MUCOLIPIDOSIS IIIA. Identifiers: Orphanet 423461, Orphanet 577, MedGen C0033788, MONDO:0018931, OMIM 252600.

Submission:

Labcorp Genetics (formerly Invitae), Labcorp
Classification: Pathogenic for Pseudo-Hurler polydystrophy; Mucolipidosis type II. Last evaluated: 2022-11-12. Review status: criteria provided, single submitter. Criteria: Invitae Variant Classification Sherloc (09022015). Collection method: clinical testing. Allele origin: germline.
Comment: For these reasons, this variant has been classified as Pathogenic. This variant has not been reported in the literature in individuals affected with GNPTAB-related conditions. This variant is not present in population databases (gnomAD no frequency). This sequence change creates a premature translational stop signal (p.Leu735Cysfs*2) in the GNPTAB gene. It is expected to result in an absent or disrupted protein product. Loss-of-function variants in GNPTAB are known to be pathogenic (PMID: 19617216, 25107912).

Literature cited by the submitters: PubMed 19617216; PubMed 25107912.